The following is an entry in ClinVar:

ClinVar aggregate classification (germline): Benign/Likely benign. Review status: criteria provided, multiple submitters, no conflicts (2 of 4 stars). 5 submissions from 5 submitters: Benign (2); Likely benign (3). Last evaluated 2026-01-07.

Conditions:
Stromme syndrome (STROMS). Also called: Strømme Syndrome; APPLE PEEL SYNDROME WITH MICROCEPHALY AND OCULAR ANOMALIES; Ciliary dyskinesia, primary, 31. Identifiers: Orphanet 444069, Orphanet 506307, MedGen C1855705, MONDO:0009477, OMIM 243605.

Allele frequency attached by ClinVar (database versions not stated): gnomAD 0.01110 and 0.01193; 1000 Genomes Project 30x 0.01156; 1000 Genomes Project 0.01178; gnomAD exomes 0.01344; ExAC 0.01408; ESP Exome Variant Server 0.01507.
gnomAD v4.1: 24,256 of 1,613,886 alleles (1.5%); highest among the groups gnomAD compares: South Asian, 4%; 276 homozygotes.

Submissions (5):

Labcorp Genetics (formerly Invitae), Labcorp
Classification: Benign. Last evaluated: 2026-01-07. Review status: criteria provided, single submitter. Criteria: Invitae Variant Classification Sherloc (09022015). Collection method: clinical testing. Allele origin: germline.

Blueprint Genetics
Classification: Likely benign. Last evaluated: 2024-11-25. Review status: criteria provided, single submitter. Criteria: ACMG Guidelines, 2015. Collection method: clinical testing. Allele origin: germline.

GeneDx
Classification: Likely benign. Last evaluated: 2022-08-09. Review status: criteria provided, single submitter. Criteria: GeneDx Variant Classification Process June 2021. Collection method: clinical testing. Allele origin: germline. Affected: yes.
Comment: See Variant Classification Assertion Criteria.

Genome-Nilou Lab
Classification: Benign for Stromme syndrome. Last evaluated: 2021-07-22. Review status: criteria provided, single submitter. Criteria: ACMG Guidelines, 2015. Collection method: clinical testing. Allele origin: germline. Affected: no.

Breakthrough Genomics
Classification: Likely benign. Review status: criteria provided, single submitter. Criteria: ACMG Guidelines, 2015. Collection method: not provided. Allele origin: germline. Inheritance: Autosomal recessive inheritance. Affected: yes.

NM_016343.4(CENPF):c.5635C>T (p.Arg1879Cys)

Gene: CENPF (centromere protein F; plus strand). Cytogenetic location: 1q41.
Variant type: single nucleotide variant.
Coding change: c.5635C>T on transcript NM_016343.4 (MANE Select); coding-DNA position 5635, C replaced by T.
Protein change: p.Arg1879Cys; replaces arginine 1879 with cysteine.
Molecular consequence: missense variant.
Genome position (GRCh38, 1-based): chr1:214,645,205, C>T. VCF-style: chr1-214645205-C-T. GRCh37 (hg19) VCF-style: chr1-214818548-C-T.
Other names: short protein forms R1879C.
Identifiers: ClinVar variation 1207720 (VCV001207720.17), dbSNP rs61732022, ClinGen allele CA1390817.